The following is an entry in ClinVar:

ClinVar aggregate classification (germline): Uncertain significance (1 of 4 stars; one submission).

Conditions:
Bloom syndrome (BLM). Also called: Bloom-Torre-Machacek syndrome. Identifiers: Orphanet 125, MedGen C0005859, MONDO:0008876, OMIM 210900.

Submission:

Labcorp Genetics (formerly Invitae), Labcorp
Classification: Uncertain significance for Bloom syndrome. Last evaluated: 2022-01-11. Review status: criteria provided, single submitter. Criteria: Invitae Variant Classification Sherloc (09022015). Collection method: clinical testing. Allele origin: germline.
Comment: This sequence change replaces glycine, which is neutral and non-polar, with valine, which is neutral and non-polar, at codon 921 of the BLM protein (p.Gly921Val). This variant is not present in population databases (gnomAD no frequency). This variant has not been reported in the literature in individuals affected with BLM-related conditions. Algorithms developed to predict the effect of missense changes on protein structure and function are either unavailable or do not agree on the potential impact of this missense change (SIFT: "Deleterious"; PolyPhen-2: "Probably Damaging"; Align-GVGD: "Class C0"). In summary, the available evidence is currently insufficient to determine the role of this variant in disease. Therefore, it has been classified as a Variant of Uncertain Significance.

NM_000057.4(BLM):c.2762G>T (p.Gly921Val)

Gene: BLM (BLM RecQ like helicase; plus strand). Cytogenetic location: 15q26.1.
Variant type: single nucleotide variant.
Coding change: c.2762G>T on transcript NM_000057.4 (MANE Select); coding-DNA position 2762, G replaced by T.
Protein change: p.Gly921Val; replaces glycine 921 with valine.
Molecular consequence: missense variant.
Genome position (GRCh38, 1-based): chr15:90,785,020, G>T. VCF-style: chr15-90785020-G-T. GRCh37 (hg19) VCF-style: chr15-91328250-G-T.
Other names: c.2762G>T, p.Gly921Val (NM_001287246.2, NM_001287247.2); c.1637G>T, p.Gly546Val (NM_001287248.2); short protein forms G546V, G921V.
Identifiers: ClinVar variation 2039708 (VCV002039708.4), dbSNP rs2151179848, ClinGen allele CA393846057.